The following is an entry in ClinVar:

ClinVar aggregate classification (germline): Uncertain significance (1 of 4 stars; one submission).

Conditions:
GLB1-related disorder. Also called: GLB1-related disorders. Identifiers: MedGen CN377807.

gnomAD v4.1: 2 of 1,613,918 alleles (0.00012%); highest among the groups gnomAD compares: Non-Finnish European, 0.00017%; no homozygotes.

Submission:

3billion
Classification: Uncertain significance for GLB1-related disorder. Last evaluated: 2025-11-07. Review status: criteria provided, single submitter. Criteria: ACMG Guidelines, 2015. Collection method: clinical testing. Allele origin: germline. Affected: yes.
Comment: The variant is observed at an extremely low frequency in the gnomAD v4.1.0 dataset (total allele frequency: <0.001%). Predicted Consequence/Location: Missense variant In silico tool predictions suggest damaging effect of the variant on gene or gene product [REVEL: 0.81 (>=0.6, sensitivity 0.68 and specificity 0.92)]. Therefore, this variant is classified as VUS according to the recommendation of ACMG/AMP guideline.

NM_000404.4(GLB1):c.1214C>T (p.Thr405Ile)

Gene: GLB1 (galactosidase beta 1; minus strand). Cytogenetic location: 3p22.3.
Variant type: single nucleotide variant.
Coding change: c.1214C>T on transcript NM_000404.4 (MANE Select); coding-DNA position 1214, C replaced by T.
Protein change: p.Thr405Ile; replaces threonine 405 with isoleucine.
Molecular consequence: missense variant.
Genome position (GRCh38, 1-based): chr3:33,021,585, G>A on the plus strand (C>T on the coding strand, the complement: GLB1 is on the minus strand). VCF-style: chr3-33021585-G-A. GRCh37 (hg19) VCF-style: chr3-33063077-G-A.
Other names: c.1124C>T, p.Thr375Ile (NM_001079811.3); c.821C>T, p.Thr274Ile (NM_001135602.3); c.1358C>T, p.Thr453Ile (NM_001317040.2); c.1214C>T, p.Thr405Ile (NM_001393580.1); short protein forms T274I, T375I, T405I, T453I.
Identifiers: ClinVar variation 4854201 (VCV004854201.1).